The following is an entry in ClinVar:

ClinVar aggregate classification (germline): Likely benign (1 of 4 stars; one submission).

Conditions:
LMX1A-related disorder. Also called: LMX1A-related condition.

gnomAD v4.1: 255 of 1,613,552 alleles (0.016%); highest among the groups gnomAD compares: South Asian, 0.14%; 2 homozygotes.

Submission:

PreventionGenetics, part of Exact Sciences
Classification: Likely benign for LMX1A-related condition. Last evaluated: 2025-10-09. Review status: criteria provided, single submitter. Criteria: ACMG Guidelines, 2015. Collection method: clinical testing. Allele origin: germline.
Comment: This variant is classified as likely benign based on ACMG/AMP sequence variant interpretation guidelines (Richards et al. 2015 PMID: 25741868, with internal and published modifications).

NM_177398.4(LMX1A):c.886C>A (p.Pro296Thr)

Genes: LMX1A (LIM homeobox transcription factor 1 alpha; minus strand), LMX1A-AS2 (LMX1A antisense RNA 2; plus strand). Cytogenetic location: 1q23.3.
Variant type: single nucleotide variant.
Coding change: c.886C>A on transcript NM_177398.4 (MANE Select); coding-DNA position 886, C replaced by A.
Protein change: p.Pro296Thr; replaces proline 296 with threonine.
Molecular consequence: missense variant.
Genome position (GRCh38, 1-based): chr1:165,205,966, G>T on the plus strand (C>A on the coding strand, the complement: LMX1A is on the minus strand). VCF-style: chr1-165205966-G-T. GRCh37 (hg19) VCF-style: chr1-165175203-G-T.
Other names: c.886C>A, p.Pro296Thr (NM_001174069.2); short protein forms P296T.
Identifiers: ClinVar variation 4980875 (VCV004980875.1).